The following is an entry in ClinVar:

ClinVar aggregate classification (germline): Pathogenic (1 of 4 stars; one submission).

Conditions:
Hereditary breast ovarian cancer syndrome. Also called: Hereditary breast and/or ovarian cancer syndrome; Hereditary breast and ovarian cancer syndrome; Hereditary breast and ovarian cancer syndrome (HBOC); Breast and ovarian cancer; BRCA1- and BRCA2-Associated Hereditary Breast and Ovarian Cancer; Hereditary breast and ovarian cancer. Identifiers: Orphanet 145, MedGen C0677776, MeSH D061325, MONDO:0003582. Disease mechanism: loss of function.

Submission:

Labcorp Genetics (formerly Invitae), Labcorp
Classification: Pathogenic for Hereditary breast ovarian cancer syndrome. Last evaluated: 2019-08-20. Review status: criteria provided, single submitter. Criteria: Invitae Variant Classification Sherloc (09022015). Collection method: clinical testing. Allele origin: germline.
Comment: This variant is not present in population databases (ExAC no frequency). This sequence change creates a premature translational stop signal (p.Leu1153Argfs*2) in the BRCA1 gene. It is expected to result in an absent or disrupted protein product. This variant has been observed in an individual affected with epithelial ovarian cancer (PMID: 28176296). Loss-of-function variants in BRCA1 are known to be pathogenic (PMID: 20104584). For these reasons, this variant has been classified as Pathogenic.

Literature cited by the submitters: PubMed 28176296; PubMed 20104584.

NM_007294.4(BRCA1):c.3458del (p.Leu1153fs)

Genes: BRCA1 (BRCA1 DNA repair associated; minus strand), LOC126862571 (BRD4-independent group 4 enhancer GRCh37_chr17:41243136-41244335; plus strand). Cytogenetic location: 17q21.31.
Variant type: Deletion.
Coding change: c.3458del on transcript NM_007294.4 (MANE Select); coding-DNA position 3458, one base deleted (T; older notation c.3458delT).
Protein change: p.Leu1153fs; shifts the reading frame from leucine 1153.
Molecular consequence: frameshift variant. On other transcripts: intron variant (135).
Genome position (GRCh38, 1-based): chr17:43,092,073, A deleted on the plus strand (T on the coding strand, the reverse complement: BRCA1 is on the minus strand). VCF-style (leftmost placement, unchanged base first): chr17-43092072-CA-C. GRCh37 (hg19) VCF-style: chr17-41244089-CA-C.
Other names: c.3458del, p.Leu1153fs (NM_001407593.1, NM_001407594.1, NM_001407596.1 and 30 more transcripts); c.3455del, p.Leu1152fs (NM_001407610.1, NM_001407611.1, NM_001407612.1 and 22 more transcripts); c.3449del, p.Leu1150fs (NM_001407646.1, NM_001407647.1); c.3335del, p.Leu1112fs (NM_001407648.1, NM_001407664.1, NM_001407665.1 and 19 more transcripts); c.3332del, p.Leu1111fs (NM_001407649.1, NM_001407670.1, NM_001407671.1 and 11 more transcripts); c.3380del, p.Leu1127fs (NM_001407653.1, NM_001407654.1, NM_001407655.1 and 4 more transcripts); c.3377del, p.Leu1126fs (NM_001407659.1, NM_001407660.1, NM_001407661.1 and 1 more transcripts); c.3317del, p.Leu1106fs (NM_001407692.1, NM_001407694.1, NM_001407695.1 and 29 more transcripts); and 42 more; short protein forms L1106fs, L1153fs, L1026fs, L1065fs, L1083fs, L1086fs, L985fs, L1085fs.
Identifiers: ClinVar variation 948960 (VCV000948960.12), dbSNP rs1567791573, ClinGen allele CA919844511.